The following is an entry in ClinVar:

NM_003107.3(SOX4):c.1170C>T (p.Ser390=)

Gene: SOX4 (SRY-box transcription factor 4; plus strand). Cytogenetic location: 6p22.3.
Variant type: single nucleotide variant.
Coding change: c.1170C>T on transcript NM_003107.3 (MANE Select); coding-DNA position 1170, C replaced by T.
Protein change: p.Ser390=; no amino-acid change (serine 390 retained).
Molecular consequence: synonymous variant.
Genome position (GRCh38, 1-based): chr6:21,595,704, C>T. VCF-style: chr6-21595704-C-T. GRCh37 (hg19) VCF-style: chr6-21595935-C-T.
Identifiers: ClinVar variation 2656282 (VCV002656282.24), dbSNP rs752334754, ClinGen allele CA448962340.
Genomic context (GRCh38, chr6:21,595,704, plus strand): 5'-CCCGTCCAGCGCGCCCTCGCACGCGTCCTCCTCGGCCTCGTCCCACTCCTCCTCTTCCTC[C>T]TCCTCGGGCTCCTCGTCCTCCGACGACGAGTTCGAAGACGACCTGCTCGACCTGAACCCC-3'
Protein context (NP_003098.1, residues 380-400): SSASSHSSSS[Ser390=]SSGSSSSDDE

ClinVar aggregate classification (germline): Likely benign (1 of 4 stars; one submission).

Submission:

CeGaT Center for Human Genetics Tuebingen
Classification: Likely benign. Last evaluated: 2023-07-01. Review status: criteria provided, single submitter. Criteria: CeGaT Center For Human Genetics Tuebingen Variant Classification Criteria Version 2. Collection method: clinical testing. Allele origin: germline. Affected: yes. Observed: 1 variant allele.
Comment: SOX4: PM2:Supporting, BP4, BP7